The following is an entry in ClinVar:

NM_001433706.1(NLRP8):c.34A>C (p.Ile12Leu)

Gene: NLRP8 (NLR family pyrin domain containing 8; plus strand). Cytogenetic location: 19q13.43.
Variant type: single nucleotide variant.
Coding change: c.34A>C on transcript NM_001433706.1 (MANE Select); coding-DNA position 34, A replaced by C.
Protein change: p.Ile12Leu; replaces isoleucine 12 with leucine.
Molecular consequence: missense variant.
Genome position (GRCh38, 1-based): chr19:55,947,936, A>C. VCF-style: chr19-55947936-A-C. GRCh37 (hg19) VCF-style: chr19-56459302-A-C.
Other names: c.34A>C, p.Ile12Leu (NM_001317000.1); short protein forms I12L.
Identifiers: ClinVar variation 2650546 (VCV002650546.24), dbSNP rs77942970, ClinGen allele CA9684142.
Genomic context (GRCh38, chr19:55,947,936, plus strand): 5'-CTGAGGTGTTCTCTGCCTTGACTAAAGATGAGTGACGTGAATCCACCCTCTGACACCCCC[A>C]TTCCCTTTTCATCCTCCTCCACTCACAGTTCTCATATTCCGCCCTGGACATTCTCTTGCT-3'
Protein context (NP_001420635.1, residues 2-22): SDVNPPSDTP[Ile12Leu]PFSSSSTHSS

ClinVar aggregate classification (germline): Likely benign (1 of 4 stars; one submission).

Allele frequency attached by ClinVar (database versions not stated): 1000 Genomes Project 30x 0.00078; 1000 Genomes Project 0.00080; gnomAD 0.00286; ExAC 0.00296; ESP Exome Variant Server 0.00354.
gnomAD v4.1: 7,859 of 1,613,690 alleles (0.49%); highest among the groups gnomAD compares: Non-Finnish European, 0.62%; 30 homozygotes.

Submission:

CeGaT Center for Human Genetics Tuebingen
Classification: Likely benign. Last evaluated: 2022-09-01. Review status: criteria provided, single submitter. Criteria: CeGaT Center For Human Genetics Tuebingen Variant Classification Criteria Version 2. Collection method: clinical testing. Allele origin: germline. Affected: yes. Observed: 1 variant allele.
Comment: NLRP8: BP4, BS2